The following is an entry in ClinVar:

ClinVar aggregate classification (germline): Likely pathogenic (1 of 4 stars; one submission).

Conditions:
Developmental and epileptic encephalopathy, 13 (DEE13). Also called: Early infantile epileptic encephalopathy 13; SCN8A-Related Epilepsy; Developmental and Epileptic Encephalopathy (SCN8A-DEE). Identifiers: Orphanet 442835, MedGen C3281191, MONDO:0013801, OMIM 614558.

Submission:

Institute of Human Genetics, University of Leipzig Medical Center
Classification: Likely pathogenic for Developmental and epileptic encephalopathy, 13. Last evaluated: 2019-01-01. Review status: criteria provided, single submitter. Criteria: ACMG Guidelines, 2015. Collection method: clinical testing. Allele origin: de novo. Affected: yes.
Comment: This variant was identified as de novo.

NM_001330260.2(SCN8A):c.2518C>T (p.Leu840Phe)

Gene: SCN8A (sodium voltage-gated channel alpha subunit 8; plus strand). Cytogenetic location: 12q13.13.
Variant type: single nucleotide variant.
Coding change: c.2518C>T on transcript NM_001330260.2 (MANE Select); coding-DNA position 2518, C replaced by T.
Protein change: p.Leu840Phe; replaces leucine 840 with phenylalanine.
Molecular consequence: missense variant.
Genome position (GRCh38, 1-based): chr12:51,762,650, C>T. VCF-style: chr12-51762650-C-T. GRCh37 (hg19) VCF-style: chr12-52156434-C-T.
Other names: c.2518C>T, p.Leu840Phe (NM_001177984.3, NM_001369788.1, NM_014191.4); short protein forms L840F.
Identifiers: ClinVar variation 982943 (VCV000982943.1), dbSNP rs1942779292, ClinGen allele CA384884681.